The following is an entry in ClinVar:

NM_020964.3(EPG5):c.5359A>G (p.Arg1787Gly)

Gene: EPG5 (ectopic P-granules 5 autophagy tethering factor; minus strand). Cytogenetic location: 18q12.3.
Variant type: single nucleotide variant.
Coding change: c.5359A>G on transcript NM_020964.3 (MANE Select); coding-DNA position 5359, A replaced by G.
Protein change: p.Arg1787Gly; replaces arginine 1787 with glycine.
Molecular consequence: missense variant.
Genome position (GRCh38, 1-based): chr18:45,882,433, T>C on the plus strand (A>G on the coding strand, the complement: EPG5 is on the minus strand). VCF-style: chr18-45882433-T-C. GRCh37 (hg19) VCF-style: chr18-43462398-T-C.
Other names: short protein forms R1787G.
Identifiers: ClinVar variation 854984 (VCV000854984.8), dbSNP rs750395264, ClinGen allele CA8948598.

ClinVar aggregate classification (germline): Uncertain significance (1 of 4 stars; one submission).

Conditions:
Vici syndrome (VICIS). Identifiers: Orphanet 1493, MedGen C1855772, MONDO:0009452, OMIM 242840.

Allele frequency attached by ClinVar (database versions not stated): gnomAD 0.00001; gnomAD exomes 0.00001 and 0.00002; TOPMed 0.00001; ExAC 0.00004.
gnomAD v4.1: 14 of 1,614,080 alleles (0.00087%); highest among the groups gnomAD compares: Non-Finnish European, 0.0012%; no homozygotes.

Submission:

Labcorp Genetics (formerly Invitae), Labcorp
Classification: Uncertain significance for Vici syndrome. Last evaluated: 2021-08-24. Review status: criteria provided, single submitter. Criteria: Invitae Variant Classification Sherloc (09022015). Collection method: clinical testing. Allele origin: germline.
Comment: This sequence change replaces arginine with glycine at codon 1787 of the EPG5 protein (p.Arg1787Gly). The arginine residue is moderately conserved and there is a moderate physicochemical difference between arginine and glycine. This variant is present in population databases (rs750395264, ExAC 0.007%). This variant has not been reported in the literature in individuals affected with EPG5-related conditions. Algorithms developed to predict the effect of missense changes on protein structure and function (SIFT, PolyPhen-2, Align-GVGD) all suggest that this variant is likely to be disruptive. In summary, the available evidence is currently insufficient to determine the role of this variant in disease. Therefore, it has been classified as a Variant of Uncertain Significance.